The following is an entry in ClinVar:

NM_006361.6(HOXB13):c.685C>A (p.Arg229=)

Gene: HOXB13 (homeobox B13; minus strand). Cytogenetic location: 17q21.32.
Variant type: single nucleotide variant.
Coding change: c.685C>A on transcript NM_006361.6 (MANE Select); coding-DNA position 685, C replaced by A.
Protein change: p.Arg229=; no amino-acid change (arginine 229 retained).
Molecular consequence: synonymous variant.
Genome position (GRCh38, 1-based): chr17:48,726,960, G>T on the plus strand (C>A on the coding strand, the complement: HOXB13 is on the minus strand). VCF-style: chr17-48726960-G-T. GRCh37 (hg19) VCF-style: chr17-46804322-G-T.
Other names: c.685C>A (NM_006361.5).
Identifiers: ClinVar variation 1097180 (VCV001097180.11), dbSNP rs529100627, ClinGen allele CA500500981.

ClinVar aggregate classification (germline): Benign/Likely benign. Review status: criteria provided, multiple submitters, no conflicts (2 of 4 stars). 3 submissions from 3 submitters: Benign (1); Likely benign (2). Last evaluated 2025-08-20.

Conditions:
Prostate cancer, hereditary, 9 (HPC9). Identifiers: Orphanet 1331, MedGen C1970250, MONDO:0012597, OMIM 610997.
Hereditary cancer-predisposing syndrome. Also called: Tumor predisposition; Hereditary neoplastic syndrome; Hereditary Cancer Syndrome; Neoplastic Syndromes, Hereditary. Identifiers: Orphanet 140162, MedGen C0027672, MeSH D009386, MONDO:0015356.

Submissions (3):

Labcorp Genetics (formerly Invitae), Labcorp
Classification: Likely benign. Last evaluated: 2025-08-20. Review status: criteria provided, single submitter. Criteria: Invitae Variant Classification Sherloc (09022015). Collection method: clinical testing. Allele origin: germline.

Myriad Genetics, Inc.
Classification: Benign for Prostate cancer, hereditary, 9. Last evaluated: 2024-10-30. Review status: criteria provided, single submitter. Criteria: Myriad Autosomal Dominant, Autosomal Recessive and X-Linked Classification Criteria (2023). Collection method: clinical testing. Allele origin: unknown.
Comment: This variant is considered benign. This variant is a silent/synonymous amino acid change and it is not expected to impact splicing.

Ambry Genetics
Classification: Likely benign for Hereditary cancer-predisposing syndrome. Last evaluated: 2023-10-15. Review status: criteria provided, single submitter. Criteria: Ambry Variant Classification Scheme 2023. Collection method: clinical testing. Allele origin: germline.